The following is an entry in ClinVar:

ClinVar aggregate classification (germline): Benign/Likely benign. Review status: criteria provided, multiple submitters, no conflicts (2 of 4 stars). 2 submissions from 2 submitters: Benign (1); Likely benign (1). Last evaluated 2018-01-13.

Conditions:
Obesity due to congenital leptin deficiency. Also called: Leptin deficiency or dysfunction. Identifiers: Orphanet 66628, MedGen C3554224, MONDO:0013991, OMIM 614962.

Allele frequency attached by ClinVar (database versions not stated): TOPMed 0.42926; gnomAD 0.43092 and 0.44217; 1000 Genomes Project 30x 0.45175; 1000 Genomes Project 0.46006; gnomAD exomes 0.54839.
gnomAD v4.1: 67,574 of 152,118 alleles (44%); highest among the groups gnomAD compares: East Asian, 73%; 17,319 homozygotes.

Submissions (2):

Illumina Laboratory Services, Illumina
Classification: Benign for Obesity due to congenital leptin deficiency. Last evaluated: 2018-01-13. Review status: criteria provided, single submitter. Criteria: ICSL Variant Classification Criteria 13 December 2019. Collection method: clinical testing. Allele origin: germline.
Comment: This variant was observed in the ICSL laboratory as part of a predisposition screen in an ostensibly healthy population. It had not been previously curated by ICSL or reported in the Human Gene Mutation Database (HGMD: prior to June 1st, 2018), and was therefore a candidate for classification through an automated scoring system. Utilizing variant allele frequency, disease prevalence and penetrance estimates, and inheritance mode, an automated score was calculated to assess if this variant is too frequent to cause the disease. Based on the score and internal cut-off values, a variant classified as benign is not then subjected to further curation. The score for this variant resulted in a classification of benign for this disease.

Breakthrough Genomics
Classification: Likely benign. Review status: criteria provided, single submitter. Criteria: ACMG Guidelines, 2015. Collection method: not provided. Allele origin: germline. Inheritance: Autosomal recessive inheritance. Affected: yes.

NM_000230.3(LEP):c.*2253C>A

Gene: LEP (leptin; plus strand). Cytogenetic location: 7q32.1.
Variant type: single nucleotide variant.
Coding change: c.*2253C>A on transcript NM_000230.3 (MANE Select); 2253 bases downstream of the stop codon, C replaced by A.
Molecular consequence: 3 prime UTR variant.
Genome position (GRCh38, 1-based): chr7:128,257,016, C>A. VCF-style: chr7-128257016-C-A. GRCh37 (hg19) VCF-style: chr7-127897069-C-A.
Identifiers: ClinVar variation 358845 (VCV000358845.7), dbSNP rs11761556, ClinGen allele CA10628239.